The following is an entry in ClinVar:

NM_000463.3(UGT1A1):c.222C>A (p.Tyr74Ter)

Genes: UGT1A6 (UDP glucuronosyltransferase family 1 member A6; plus strand), UGT1A7 (UDP glucuronosyltransferase family 1 member A7; plus strand), UGT1A8 (UDP glucuronosyltransferase family 1 member A8; plus strand), UGT1A9 (UDP glucuronosyltransferase family 1 member A9; plus strand), UGT1A3 (UDP glucuronosyltransferase family 1 member A3; plus strand) and 5 more. Cytogenetic location: 2q37.1.
Variant type: single nucleotide variant.
Coding change: c.222C>A on transcript NM_000463.3 (MANE Select); coding-DNA position 222, C replaced by A.
Protein change: p.Tyr74Ter; replaces tyrosine 74 with a stop codon.
Molecular consequence: nonsense. On other transcripts: intron variant (9).
Genome position (GRCh38, 1-based): chr2:233,760,509, C>A. VCF-style: chr2-233760509-C-A. GRCh37 (hg19) VCF-style: chr2-234669155-C-A.
Other names: UGT1A1*45; 222(C>A); c.856-6525C>A (NM_019076.5, NM_019075.4, NM_021027.3 and 1 more transcripts); c.61-6525C>A (NM_205862.3); c.862-6525C>A (NM_001072.4); c.868-6525C>A (NM_019078.2, NM_007120.3, NM_019093.4); short protein forms Y74*.
Identifiers: ClinVar variation 437210 (VCV000437210.27), dbSNP rs72551340, ClinGen allele CA2179793.
Genomic context (GRCh38, chr2:233,760,509, plus strand): 5'-ACATGAAATAGTTGTCCTAGCACCTGACGCCTCGTTGTACATCAGAGACGGAGCATTTTA[C>A]ACCTTGAAGACGTACCCTGTGCCATTCCAAAGGGAGGATGTGAAAGAGTCTTTTGTTAGT-3'

ClinVar aggregate classification (germline): Pathogenic. Review status: criteria provided, multiple submitters, no conflicts (2 of 4 stars). 8 submissions from 8 submitters: Pathogenic (6). 2 of the submissions do not count toward it. Last evaluated 2025-04-13.

Conditions:
UGT1A1-related disorder. Also called: UGT1A1-related disorders; UGT1A1-related condition.
Crigler-Najjar syndrome. Identifiers: Orphanet 205, MedGen C5551003, MONDO:0009044.

Allele frequency attached by ClinVar (database versions not stated): gnomAD exomes below 0.00001; ExAC 0.00001; TOPMed 0.00014.
gnomAD v4.1: 17 of 1,614,154 alleles (0.0011%); highest among the groups gnomAD compares: Non-Finnish European, 0.00042%; no homozygotes.

Submissions (8):

Labcorp Genetics (formerly Invitae), Labcorp
Classification: Pathogenic. Last evaluated: 2025-04-13. Review status: criteria provided, single submitter. Criteria: Invitae Variant Classification Sherloc (09022015). Collection method: clinical testing. Allele origin: germline.
Comment: This sequence change creates a premature translational stop signal (p.Tyr74*) in the UGT1A1 gene. It is expected to result in an absent or disrupted protein product. Loss-of-function variants in UGT1A1 are known to be pathogenic (PMID: 23290513). This variant is present in population databases (rs72551340, gnomAD 0.0009%). This premature translational stop signal has been observed in individual(s) with Crigler-Najjar syndrome (PMID: 11013440). ClinVar contains an entry for this variant (Variation ID: 437210). For these reasons, this variant has been classified as Pathogenic.

Women's Health and Genetics/Laboratory Corporation of America, LabCorp
Classification: Pathogenic for Crigler-Najjar syndrome. Last evaluated: 2025-03-19. Review status: criteria provided, single submitter. Criteria: LabCorp Variant Classification Summary - May 2015. Collection method: clinical testing. Allele origin: germline.
Comment: Variant summary: UGT1A1 c.222C>A (p.Tyr74X) results in a premature termination codon, predicted to cause a truncation of the encoded protein or absence of the protein due to nonsense mediated decay, which are commonly known mechanisms for disease. The variant allele was found at a frequency of 4e-06 in 251444 control chromosomes. c.222C>A has been reported in the literature in at least one individual affected with Crigler-Najjar syndrome (e.g. Kadakol_2000). These data indicate that the variant may be associated with disease. To our knowledge, no experimental evidence demonstrating an impact on protein function has been reported. ClinVar contains an entry for this variant (Variation ID: 437210). Based on the evidence outlined above, the variant was classified as pathogenic.

PreventionGenetics, part of Exact Sciences
Classification: Pathogenic for UGT1A1-related condition. Last evaluated: 2025-01-13. Review status: criteria provided, single submitter. Criteria: ACMG Guidelines, 2015. Collection method: clinical testing. Allele origin: germline.
Comment: The UGT1A1 c.222C>A variant is predicted to result in premature protein termination (p.Tyr74*). This variant was reported in an individual with Crigler-Najjar syndrome (Kadakol et al. 2000. PubMed ID: 11013440). This variant is reported in 0.00088% of alleles in individuals of European (Non-Finnish) descent in gnomAD. Nonsense variants in UGT1A1 are expected to be pathogenic. This variant is interpreted as pathogenic.

ARUP Laboratories, Molecular Genetics and Genomics, ARUP Laboratories
Classification: Pathogenic. Last evaluated: 2024-07-05. Review status: criteria provided, single submitter. Criteria: ARUP Molecular Germline Variant Investigation Process 2024. Collection method: clinical testing. Allele origin: germline.
Comment: The UGT1A1 c.222C>A; p.Tyr74Ter variant (rs72551340) is reported in the literature in one individual affected with Crigler-Najjar syndrome (Kadakol 2000). This variant is also reported as pathogenic by several sources in ClinVar (Variation ID: 437210). This variant is only observed on one allele in the Genome Aggregation Database, indicating it is not a common polymorphism. This variant induces an early termination codon and is predicted to result in a truncated protein or mRNA subject to nonsense-mediated decay. Additionally, several downstream truncating variants have been described in affected individuals and are considered pathogenic (Kadakol 2000, Skierka 2013).Based on available information, this variant is classified as pathogenic. References: Kadakol A et al. Genetic lesions of bilirubin uridine-diphosphoglucuronate glucuronosyltransferase (UGT1A1) causing Crigler-Najjar and Gilbert syndromes: correlation of genotype to phenotype. Hum Mutat. 2000 Oct;16(4):297-306. PMID: 11013440. Skierka JM et al. UGT1A1 genetic analysis as a diagnostic aid for individuals with unconjugated hyperbilirubinemia. J Pediatr. 2013 Jun;162(6):1146-52, 1152.e1-2. PMID: 23290513.

Genetic Services Laboratory, University of Chicago
Classification: Pathogenic for Crigler-Najjar syndrome. Last evaluated: 2017-05-30. Review status: criteria provided, single submitter. Criteria: ACMG Guidelines, 2015. Collection method: clinical testing. Allele origin: germline. Affected: yes.

Eurofins Ntd Llc (ga)
Classification: Pathogenic. Last evaluated: 2016-11-14. Review status: criteria provided, single submitter. Criteria: EGL Classification Definitions 2015. Collection method: clinical testing. Allele origin: germline. Observed: 1 variant allele, 1 heterozygote.

Clinical Genetics DNA and cytogenetics Diagnostics Lab, Erasmus MC, Erasmus Medical Center
Classification: Pathogenic. Review status: no assertion criteria provided. Collection method: clinical testing. Allele origin: germline. Affected: yes. Study: VKGL Data-share Consensus. Not counted in ClinVar's aggregate classification.

Joint Genome Diagnostic Labs from Nijmegen and Maastricht, Radboudumc and MUMC+
Classification: Pathogenic. Review status: no assertion criteria provided. Collection method: clinical testing. Allele origin: germline. Affected: yes. Study: VKGL Data-share Consensus. Not counted in ClinVar's aggregate classification.

Literature cited by the submitters: PubMed 23290513 (cited by Labcorp Genetics (formerly Invitae), Labcorp); PubMed 11013440 (cited by Labcorp Genetics (formerly Invitae), Labcorp and Women's Health and Genetics/Laboratory Corporation of America, LabCorp).